The following is an entry in ClinVar:

ClinVar aggregate classification (germline): Uncertain significance (1 of 4 stars; one submission).

Submission:

GeneDx
Classification: Uncertain significance. Last evaluated: 2026-08-31. Review status: criteria provided, single submitter. Criteria: GeneDx Variant Classification Process June 2021. Collection method: clinical testing. Allele origin: germline.
Comment: Not observed at significant frequency in large population cohorts (gnomAD); In silico analysis suggests that this missense variant does not alter protein structure/function; Has not been previously published as pathogenic or benign to our knowledge

NM_002232.5(KCNA3):c.1045G>A (p.Glu349Lys)

Gene: KCNA3 (potassium voltage-gated channel subfamily A member 3; minus strand). Cytogenetic location: 1p13.3.
Variant type: single nucleotide variant.
Coding change: c.1045G>A on transcript NM_002232.5 (MANE Select); coding-DNA position 1045, G replaced by A.
Protein change: p.Glu349Lys; replaces glutamic acid 349 with lysine.
Molecular consequence: missense variant.
Genome position (GRCh38, 1-based): chr1:110,673,765, C>T on the plus strand (G>A on the coding strand, the complement: KCNA3 is on the minus strand). VCF-style: chr1-110673765-C-T. GRCh37 (hg19) VCF-style: chr1-111216387-C-T.
Other names: short protein forms E349K.
Identifiers: ClinVar variation 4527282 (VCV004527282.2).
Genomic context (GRCh38, chr1:110,673,765, plus strand): 5'-CCAGGCGGATGACCCTCAGGATGGCCAGAGACATGGCCTGCTGTCCATTGCCCTGTCGTT[C>T]GGCCAGCTCGGTACCCAGAGTGATAAAATAAGGAATGATGGCCACAATGTCGATCAGGTT-3'
Protein context (NP_002223.3, residues 339-359): YFITLGTELA[Glu349Lys]RQGNGQQAMS